The following is an entry in ClinVar:

NM_024741.3(ZNF408):c.1051C>T (p.Arg351Ter)

Gene: ZNF408 (zinc finger protein 408; plus strand). Cytogenetic location: 11p11.2.
Variant type: single nucleotide variant.
Coding change: c.1051C>T on transcript NM_024741.3 (MANE Select); coding-DNA position 1051, C replaced by T.
Protein change: p.Arg351Ter; replaces arginine 351 with a stop codon.
Molecular consequence: nonsense.
Genome position (GRCh38, 1-based): chr11:46,704,751, C>T. VCF-style: chr11-46704751-C-T. GRCh37 (hg19) VCF-style: chr11-46726301-C-T.
Other names: c.1027C>T, p.Arg343Ter (NM_001184751.2); short protein forms R343*, R351*.
Identifiers: ClinVar variation 2109378 (VCV002109378.5), dbSNP rs758273578, ClinGen allele CA5966484.

ClinVar aggregate classification (germline): Conflicting classifications of pathogenicity. Review status: criteria provided, conflicting classifications (1 of 4 stars). 2 submissions from 2 submitters: Likely pathogenic (1); Uncertain significance (1). Last evaluated 2024-11-27.

Conditions:
ZNF408-related disorder. Also called: ZNF408-related condition.

Allele frequency attached by ClinVar (database versions not stated): TOPMed below 0.00001; ExAC 0.00001.
gnomAD v4.1: 7 of 1,595,088 alleles (0.00044%); highest among the groups gnomAD compares: Admixed American, 0.0035%; no homozygotes.

Submissions (2):

Blueprint Genetics
Classification: Likely pathogenic for ZNF408-related disorders. Last evaluated: 2024-11-27. Review status: criteria provided, single submitter. Criteria: ACMG Guidelines, 2015. Collection method: clinical testing. Allele origin: germline. Affected: yes. Observed: 1 variant allele.

Labcorp Genetics (formerly Invitae), Labcorp
Classification: Uncertain significance. Last evaluated: 2022-03-11. Review status: criteria provided, single submitter. Criteria: Invitae Variant Classification Sherloc (09022015). Collection method: clinical testing. Allele origin: germline.
Comment: This sequence change creates a premature translational stop signal (p.Arg351*) in the ZNF408 gene. While this is not anticipated to result in nonsense mediated decay, it is expected to disrupt the last 370 amino acid(s) of the ZNF408 protein. Experimental studies and prediction algorithms are not available or were not evaluated, and the functional significance of this variant is currently unknown. This variant is present in population databases (rs758273578, gnomAD 0.006%). This variant has not been reported in the literature in individuals affected with ZNF408-related conditions. In summary, the available evidence is currently insufficient to determine the role of this variant in disease. Therefore, it has been classified as a Variant of Uncertain Significance.